The following is an entry in ClinVar:

ClinVar aggregate classification (germline): Uncertain significance (1 of 4 stars; one submission).

Conditions:
Intellectual developmental disorder, X-linked, syndromic 35. Also called: Intellectual disability, X-linked, syndromic, 35. Identifiers: MedGen C4478383, MONDO:0030908, OMIM 300998.

gnomAD v4.1: 2 of 1,211,328 alleles (0.00017%); highest among the groups gnomAD compares: African/African-American, 0.0017%; no homozygotes.

Submission:

Baylor Genetics
Classification: Uncertain significance for Intellectual developmental disorder, X-linked, syndromic 35. Last evaluated: 2019-03-04. Review status: criteria provided, single submitter. Criteria: ACMG Guidelines, 2015. Collection method: clinical testing. Allele origin: maternal. Affected: yes.
Comment: This variant was determined to be of uncertain significance according to ACMG Guidelines, 2015 [PMID:25741868].

NM_006013.5(RPL10):c.191-5C>T

Gene: RPL10 (ribosomal protein L10; plus strand). Cytogenetic location: Xq28.
Variant type: single nucleotide variant.
Coding change: c.191-5C>T on transcript NM_006013.5 (MANE Select); 5 bases into the intron before coding-DNA position 191, C replaced by T.
Molecular consequence: intron variant.
Genome position (GRCh38, 1-based): chrX:154,399,798, C>T. VCF-style: chrX-154399798-C-T. GRCh37 (hg19) VCF-style: chrX-153628139-C-T.
Other names: c.191-5C>T (NM_001303625.1, NM_001256577.2, NM_001303624.2 and 1 more transcripts); c.83-5C>T (NM_001256580.2).
Identifiers: ClinVar variation 1028473 (VCV001028473.1), dbSNP rs1286783643, ClinGen allele CA2466670179.
Genomic context (GRCh38, chrX:154,399,798, plus strand): 5'-ATAGTCGTGGTGAATGTTTCTCTATTATCTTCTCTCACTTTGCTGCTTTTCTTCTCCCTA[C>T]CTAGCCCTGGAGGCTGCCCGAATTTGTGCCAATAAGTACATGGTAAAAAGTTGTGGCAAA-3'